The following is an entry in ClinVar:

NM_003072.5(SMARCA4):c.3154T>C (p.Phe1052Leu)

Gene: SMARCA4 (SWI/SNF related BAF chromatin remodeling complex subunit ATPase 4; plus strand). Cytogenetic location: 19p13.2.
Variant type: single nucleotide variant.
Coding change: c.3154T>C on transcript NM_003072.5 (MANE Select); coding-DNA position 3154, T replaced by C.
Protein change: p.Phe1052Leu; replaces phenylalanine 1052 with leucine.
Molecular consequence: missense variant. On other transcripts: non-coding transcript variant (1).
Genome position (GRCh38, 1-based): chr19:11,025,494, T>C. VCF-style: chr19-11025494-T-C. GRCh37 (hg19) VCF-style: chr19-11136170-T-C.
Other names: c.3154T>C, p.Phe1052Leu (NM_001128844.3, NM_001128845.2, NM_001128846.2 and 6 more transcripts); short protein forms F1052L.
Identifiers: ClinVar variation 3366051 (VCV003366051.1).

ClinVar aggregate classification (germline): Uncertain significance (1 of 4 stars; one submission).

Submission:

GeneDx
Classification: Uncertain significance. Last evaluated: 2023-10-11. Review status: criteria provided, single submitter. Criteria: GeneDx Variant Classification Process June 2021. Collection method: clinical testing. Allele origin: germline. Affected: yes.
Comment: Has not been previously published as pathogenic or benign to our knowledge; Not observed at significant frequency in large population cohorts (gnomAD); In silico analysis supports that this missense variant has a deleterious effect on protein structure/function; This variant is associated with the following publications: (PMID: 24658002)